The following is an entry in ClinVar:

ClinVar aggregate classification (germline): Uncertain significance (1 of 4 stars; one submission).

Conditions:
Hereditary cancer-predisposing syndrome. Also called: Hereditary Cancer Syndrome; Tumor predisposition; Hereditary neoplastic syndrome; Neoplastic Syndromes, Hereditary. Identifiers: Orphanet 140162, MedGen C0027672, MeSH D009386, MONDO:0015356.

Submission:

Ambry Genetics
Classification: Uncertain significance for Hereditary cancer-predisposing syndrome. Last evaluated: 2024-04-04. Review status: criteria provided, single submitter. Criteria: Ambry Variant Classification Scheme 2023. Collection method: clinical testing. Allele origin: germline.
Comment: The p.V176L variant (also known as c.526G>C), located in coding exon 4 of the CDH1 gene, results from a G to C substitution at nucleotide position 526. The valine at codon 176 is replaced by leucine, an amino acid with highly similar properties. This amino acid position is conserved. In addition, the in silico prediction for this alteration is inconclusive. Based on the available evidence, the clinical significance of this variant remains unclear.

NM_004360.5(CDH1):c.526G>C (p.Val176Leu)

Gene: CDH1 (cadherin 1; plus strand). Cytogenetic location: 16q22.1.
Variant type: single nucleotide variant.
Coding change: c.526G>C on transcript NM_004360.5 (MANE Select); coding-DNA position 526, G replaced by C.
Protein change: p.Val176Leu; replaces valine 176 with leucine.
Molecular consequence: missense variant. On other transcripts: 5 prime UTR variant (2).
Genome position (GRCh38, 1-based): chr16:68,808,562, G>C. VCF-style: chr16-68808562-G-C. GRCh37 (hg19) VCF-style: chr16-68842465-G-C.
Other names: c.526G>C, p.Val176Leu (NM_001317184.2); c.-1090G>C (NM_001317185.2); c.-1294G>C (NM_001317186.2); short protein forms V176L.
Identifiers: ClinVar variation 3265129 (VCV003265129.1).